The following is an entry in ClinVar:

ClinVar aggregate classification (germline): Uncertain significance (1 of 4 stars; one submission).

gnomAD v4.1: 1 of 1,546,822 alleles (0.000065%); highest among the groups gnomAD compares: Non-Finnish European, 0.000087%; no homozygotes.

Submission:

GeneDx
Classification: Uncertain significance. Last evaluated: 2026-06-28. Review status: criteria provided, single submitter. Criteria: GeneDx Variant Classification Process June 2021. Collection method: clinical testing. Allele origin: germline.
Comment: Not observed at significant frequency in large population cohorts (gnomAD); Canonical splice site variant in a gene or region of a gene for which loss of function is not a well-established mechanism of disease; Has not been previously published as pathogenic or benign to our knowledge

NM_018897.3(DNAH7):c.1173+1G>A

Gene: DNAH7 (dynein axonemal heavy chain 7; minus strand). Cytogenetic location: 2q32.3.
Variant type: single nucleotide variant.
Coding change: c.1173+1G>A on transcript NM_018897.3 (MANE Select); the canonical splice donor site of the intron after coding-DNA position 1173, G replaced by A.
Molecular consequence: splice donor variant.
Genome position (GRCh38, 1-based): chr2:196,001,674, C>T on the plus strand (G>A on the coding strand, the complement: DNAH7 is on the minus strand). VCF-style: chr2-196001674-C-T. GRCh37 (hg19) VCF-style: chr2-196866398-C-T.
Identifiers: ClinVar variation 3342558 (VCV003342558.2).